The following is an entry in ClinVar:

NM_019844.4(SLCO1B3):c.484T>G (p.Cys162Gly)

Genes: SLCO1B3 (solute carrier organic anion transporter family member 1B3; plus strand), SLCO1B3-SLCO1B7 (SLCO1B3-SLCO1B7 readthrough; plus strand). Cytogenetic location: 12p12.2.
Variant type: single nucleotide variant.
Coding change: c.484T>G on transcript NM_019844.4 (MANE Select); coding-DNA position 484, T replaced by G.
Protein change: p.Cys162Gly; replaces cysteine 162 with glycine.
Molecular consequence: missense variant.
Genome position (GRCh38, 1-based): chr12:20,862,414, T>G. VCF-style: chr12-20862414-T-G. GRCh37 (hg19) VCF-style: chr12-21015348-T-G.
Other names: c.400T>G, p.Cys134Gly (NM_001349920.2); short protein forms C162G, C134G.
Identifiers: ClinVar variation 618375 (VCV000618375.31), dbSNP rs140353351, ClinGen allele CA6475225.
Genomic context (GRCh38, chr12:20,862,414, plus strand): 5'-TTTCTAATAGGAATGTTAAAATTAATGTTTAAAGTAAAACACTCTCTTGTCTCGATAGAT[T>G]GTGTAAAGGAATCTGGGTCACACATGTGGATCTATGTCTTCATGGGGAATATGCTTCGTG-3'
Protein context (NP_062818.1, residues 152-172): GTSPEIVEKD[Cys162Gly]VKESGSHMWI

ClinVar aggregate classification (germline): Conflicting classifications of pathogenicity. Review status: criteria provided, conflicting classifications (1 of 4 stars). 4 submissions from 4 submitters: Uncertain significance (1); Benign (1); Likely benign (2). Last evaluated 2026-02-01.

Conditions:
Rotor syndrome (HBLRR). Also called: HYPERBILIRUBINEMIA, ROTOR TYPE, DIGENIC; HYPERBILIRUBINEMIA, ROTOR TYPE. Identifiers: Orphanet 3111, MedGen C0220991, MONDO:0009379, OMIM 237450.

Allele frequency attached by ClinVar (database versions not stated): ESP Exome Variant Server 0.00015; gnomAD 0.00021 and 0.00054; TOPMed 0.00032; 1000 Genomes Project 0.00140; gnomAD exomes 0.00140; 1000 Genomes Project 30x 0.00141; ExAC 0.00153.

Submissions (4):

CeGaT Center for Human Genetics Tuebingen
Classification: Likely benign. Last evaluated: 2026-02-01. Review status: criteria provided, single submitter. Criteria: CeGaT Center For Human Genetics Tuebingen Variant Classification Criteria Version 2. Collection method: clinical testing. Allele origin: germline. Affected: yes. Observed: 3 variant alleles.
Comment: SLCO1B3: BP4, BS1; SLCO1B3-SLCO1B7: BP4, BS2

ARUP Laboratories, Molecular Genetics and Genomics, ARUP Laboratories
Classification: Uncertain significance for Rotor syndrome. Last evaluated: 2024-01-12. Review status: criteria provided, single submitter. Criteria: ARUP Molecular Germline Variant Investigation Process 2024. Collection method: clinical testing. Allele origin: germline.

Labcorp Genetics (formerly Invitae), Labcorp
Classification: Likely benign. Last evaluated: 2019-12-31. Review status: criteria provided, single submitter. Criteria: Invitae Variant Classification Sherloc (09022015). Collection method: clinical testing. Allele origin: germline.

Illumina Laboratory Services, Illumina
Classification: Benign for Rotor syndrome. Last evaluated: 2017-07-21. Review status: criteria provided, single submitter. Criteria: ICSL Variant Classification Criteria 13 December 2019. Collection method: clinical testing. Allele origin: germline.
Comment: This variant was observed as part of a predisposition screen in an ostensibly healthy population. A literature search was performed for the gene, cDNA change, and amino acid change (where applicable). Publications were found based on this search. The evidence from the literature, in combination with allele frequency data from public databases where available, was sufficient to rule this variant out of causing disease. Therefore, this variant is classified as benign.

Literature cited by the submitters: PubMed 27040692 (cited by Illumina Laboratory Services, Illumina); PubMed 27296017 (cited by Illumina Laboratory Services, Illumina).